The following is an entry in ClinVar:

ClinVar aggregate classification (germline): Uncertain significance. Review status: criteria provided, multiple submitters, no conflicts (2 of 4 stars). 3 submissions from 3 submitters: Uncertain significance (3). Last evaluated 2025-01-30.

Conditions:
Inborn genetic diseases. Identifiers: MedGen C0950123, MeSH D030342.
Congenital adrenal hyperplasia due to cytochrome P450 oxidoreductase deficiency. Also called: DISORDERED STEROIDOGENESIS DUE TO POR DEFICIENCY. Identifiers: Orphanet 95699, MedGen C1860042, MONDO:0013310, OMIM 613571.

Allele frequency attached by ClinVar (database versions not stated): gnomAD exomes 0.00001; gnomAD 0.00002 and 0.00003; TOPMed 0.00002.
gnomAD v4.1: 23 of 1,610,136 alleles (0.0014%); highest among the groups gnomAD compares: Non-Finnish European, 0.0019%; no homozygotes.

Submissions (3):

Ambry Genetics
Classification: Uncertain significance for Inborn genetic diseases. Last evaluated: 2025-01-30. Review status: criteria provided, single submitter. Criteria: Ambry Variant Classification Scheme 2023. Collection method: clinical testing. Allele origin: germline.

Labcorp Genetics (formerly Invitae), Labcorp
Classification: Uncertain significance for Congenital adrenal hyperplasia due to cytochrome P450 oxidoreductase deficiency. Last evaluated: 2022-06-10. Review status: criteria provided, single submitter. Criteria: Invitae Variant Classification Sherloc (09022015). Collection method: clinical testing. Allele origin: germline.
Comment: This sequence change replaces phenylalanine, which is neutral and non-polar, with leucine, which is neutral and non-polar, at codon 57 of the POR protein (p.Phe57Leu). This variant is present in population databases (no rsID available, gnomAD 0.007%). This variant has not been reported in the literature in individuals affected with POR-related conditions. ClinVar contains an entry for this variant (Variation ID: 1331049). Algorithms developed to predict the effect of missense changes on protein structure and function (SIFT, PolyPhen-2, Align-GVGD) all suggest that this variant is likely to be tolerated. In summary, the available evidence is currently insufficient to determine the role of this variant in disease. Therefore, it has been classified as a Variant of Uncertain Significance.

ARUP Laboratories, Molecular Genetics and Genomics, ARUP Laboratories
Classification: Uncertain significance. Last evaluated: 2021-10-23. Review status: criteria provided, single submitter. Criteria: ARUP Molecular Germline Variant Investigation Process 2021. Collection method: clinical testing. Allele origin: germline.
Comment: The POR c.171C>G; p.Phe57Leu variant (rs927062544), to our knowledge, is not reported in the medical literature or gene specific databases. This variant is only observed on two alleles in the Genome Aggregation Database, indicating it is not a common polymorphism. The phenylalanine at codon 57 is moderately conserved, and computational analyses are uncertain whether this variant is neutral or deleterious (REVEL: 0.172). Due to limited information, the clinical significance of the p.Phe57Leu variant is uncertain at this time.

NM_001395413.1(POR):c.162C>G (p.Phe54Leu)

Gene: POR (cytochrome p450 oxidoreductase; plus strand). Cytogenetic location: 7q11.23.
Variant type: single nucleotide variant.
Coding change: c.162C>G on transcript NM_001395413.1 (MANE Select); coding-DNA position 162, C replaced by G.
Protein change: p.Phe54Leu; replaces phenylalanine 54 with leucine.
Molecular consequence: missense variant.
Genome position (GRCh38, 1-based): chr7:75,954,163, C>G. VCF-style: chr7-75954163-C-G. GRCh37 (hg19) VCF-style: chr7-75583481-C-G.
Other names: c.162C>G, p.Phe54Leu (NM_001367562.3, NM_001382655.3, NM_001382657.2 and 3 more transcripts); c.171C>G (NM_000941.2); short protein forms F54L.
Identifiers: ClinVar variation 1331049 (VCV001331049.10), dbSNP rs927062544, ClinGen allele CA160922701.